The following is an entry in ClinVar:

ClinVar aggregate classification (germline): Uncertain significance (1 of 4 stars; one submission).

Allele frequency attached by ClinVar (database versions not stated): gnomAD exomes 0.00004 and 0.00007; gnomAD 0.00005 and 0.00006; TOPMed 0.00005; ExAC 0.00007.
gnomAD v4.1: 59 of 1,613,524 alleles (0.0037%); highest among the groups gnomAD compares: African/African-American, 0.019%; no homozygotes.

Submission:

Labcorp Genetics (formerly Invitae), Labcorp
Classification: Uncertain significance. Last evaluated: 2022-06-03. Review status: criteria provided, single submitter. Criteria: Invitae Variant Classification Sherloc (09022015). Collection method: clinical testing. Allele origin: germline.
Comment: This sequence change replaces valine, which is neutral and non-polar, with methionine, which is neutral and non-polar, at codon 1148 of the RUSC2 protein (p.Val1148Met). This variant is present in population databases (rs768717390, gnomAD 0.03%). This variant has not been reported in the literature in individuals affected with RUSC2-related conditions. ClinVar contains an entry for this variant (Variation ID: 1378297). Algorithms developed to predict the effect of missense changes on protein structure and function are either unavailable or do not agree on the potential impact of this missense change (SIFT: "Deleterious"; PolyPhen-2: "Probably Damaging"; Align-GVGD: "Class C0"). In summary, the available evidence is currently insufficient to determine the role of this variant in disease. Therefore, it has been classified as a Variant of Uncertain Significance.

NM_014806.5(RUSC2):c.3442G>A (p.Val1148Met)

Gene: RUSC2 (RUN and SH3 domain containing 2; plus strand). Cytogenetic location: 9p13.3.
Variant type: single nucleotide variant.
Coding change: c.3442G>A on transcript NM_014806.5 (MANE Select); coding-DNA position 3442, G replaced by A.
Protein change: p.Val1148Met; replaces valine 1148 with methionine.
Molecular consequence: missense variant. On other transcripts: non-coding transcript variant (1).
Genome position (GRCh38, 1-based): chr9:35,560,082, G>A. VCF-style: chr9-35560082-G-A. GRCh37 (hg19) VCF-style: chr9-35560079-G-A.
Other names: c.3442G>A, p.Val1148Met (NM_001135999.2); c.808G>A, p.Val270Met (NM_001330740.2); short protein forms V270M, V1148M.
Identifiers: ClinVar variation 1378297 (VCV001378297.5), dbSNP rs768717390, ClinGen allele CA5044162.